The following is an entry in ClinVar:

NM_144973.4(DENND5B):c.1220C>T (p.Pro407Leu)

Gene: DENND5B (DENN domain containing 5B; minus strand). Cytogenetic location: 12p11.21.
Variant type: single nucleotide variant.
Coding change: c.1220C>T on transcript NM_144973.4 (MANE Select); coding-DNA position 1220, C replaced by T.
Protein change: p.Pro407Leu; replaces proline 407 with leucine.
Molecular consequence: missense variant.
Genome position (GRCh38, 1-based): chr12:31,452,349, G>A on the plus strand (C>T on the coding strand, the complement: DENND5B is on the minus strand). VCF-style: chr12-31452349-G-A. GRCh37 (hg19) VCF-style: chr12-31605283-G-A.
Other names: c.1325C>T, p.Pro442Leu (NM_001308339.2); c.1286C>T, p.Pro429Leu (NM_001366890.1, NM_001366893.1); c.689C>T, p.Pro230Leu (NM_001366891.1); c.1220C>T, p.Pro407Leu (NM_001366892.1); short protein forms P230L, P407L, P429L, P442L.
Identifiers: ClinVar variation 3342571 (VCV003342571.1).
Genomic context (GRCh38, chr12:31,452,349, plus strand): 5'-TCTTTCAGAACCATATTCTTCAGTTTGCTGGTACTCTCACTGCAATGTAGGCTGCCCTCA[G>A]GAGGGATCCCAAATTGAACAAGAACCTCAGAGAGTTCTTGGATAAAATCCACTTTATTGG-3'
Protein context (NP_659410.3, residues 397-417): SEVLVQFGIP[Pro407Leu]EGSLHCSEST

ClinVar aggregate classification (germline): Uncertain significance (1 of 4 stars; one submission).

Submission:

GeneDx
Classification: Uncertain significance. Last evaluated: 2022-07-08. Review status: criteria provided, single submitter. Criteria: GeneDx Variant Classification Process June 2021. Collection method: clinical testing. Allele origin: germline. Affected: yes.
Comment: Has not been previously published as pathogenic or benign to our knowledge; Not observed at significant frequency in large population cohorts (gnomAD); In silico analysis supports that this missense variant has a deleterious effect on protein structure/function; Variants in candidate genes are classified as variants of uncertain significance in accordance with ACMG guidelines (Richards et al., 2015)